The following is an entry in ClinVar:

NM_053025.4(MYLK):c.4033A>C (p.Ser1345Arg)

Gene: MYLK (myosin light chain kinase; minus strand). Cytogenetic location: 3q21.1.
Variant type: single nucleotide variant.
Coding change: c.4033A>C on transcript NM_053025.4 (MANE Select); coding-DNA position 4033, A replaced by C.
Protein change: p.Ser1345Arg; replaces serine 1345 with arginine.
Molecular consequence: missense variant.
Genome position (GRCh38, 1-based): chr3:123,657,381, T>G on the plus strand (A>C on the coding strand, the complement: MYLK is on the minus strand). VCF-style: chr3-123657381-T-G. GRCh37 (hg19) VCF-style: chr3-123376228-T-G.
Other names: c.3505A>C, p.Ser1169Arg (NM_001321309.2); c.3826A>C, p.Ser1276Arg (NM_053026.4, NM_053028.4); c.4033A>C, p.Ser1345Arg (NM_053027.4); short protein forms S1276R, S1345R, S1169R.
Identifiers: ClinVar variation 3005589 (VCV003005589.3), dbSNP rs2473542533, ClinGen allele CA354228279.

ClinVar aggregate classification (germline): Uncertain significance (1 of 4 stars; one submission).

Conditions:
Aortic aneurysm, familial thoracic 7 (AAT7). Also called: AORTIC DISSECTION, FAMILIAL, WITH OR WITHOUT AORTIC ANEURYSM. Identifiers: MedGen C3151077, MONDO:0013418, OMIM 613780.

Allele frequency attached by ClinVar (database versions not stated): gnomAD exomes below 0.00001.
gnomAD v4.1: 3 of 1,613,824 alleles (0.00019%); highest among the groups gnomAD compares: Non-Finnish European, 0.00025%; no homozygotes.

Submission:

Labcorp Genetics (formerly Invitae), Labcorp
Classification: Uncertain significance for Aortic aneurysm, familial thoracic 7. Last evaluated: 2023-10-05. Review status: criteria provided, single submitter. Criteria: Invitae Variant Classification Sherloc (09022015). Collection method: clinical testing. Allele origin: germline.
Comment: This sequence change replaces serine, which is neutral and polar, with arginine, which is basic and polar, at codon 1345 of the MYLK protein (p.Ser1345Arg). This variant is not present in population databases (gnomAD no frequency). This variant has not been reported in the literature in individuals affected with MYLK-related conditions. Advanced modeling of protein sequence and biophysical properties (such as structural, functional, and spatial information, amino acid conservation, physicochemical variation, residue mobility, and thermodynamic stability) performed at Invitae indicates that this missense variant is not expected to disrupt MYLK protein function. In summary, the available evidence is currently insufficient to determine the role of this variant in disease. Therefore, it has been classified as a Variant of Uncertain Significance.